The following is an entry in ClinVar:

NM_020779.4(WDR35):c.1381C>T (p.Arg461Ter)

Gene: WDR35 (WD repeat domain 35; minus strand). Cytogenetic location: 2p24.1.
Variant type: single nucleotide variant.
Coding change: c.1381C>T on transcript NM_020779.4 (MANE Select); coding-DNA position 1381, C replaced by T.
Protein change: p.Arg461Ter; replaces arginine 461 with a stop codon.
Molecular consequence: nonsense.
Genome position (GRCh38, 1-based): chr2:19,953,853, G>A on the plus strand (C>T on the coding strand, the complement: WDR35 is on the minus strand). VCF-style: chr2-19953853-G-A. GRCh37 (hg19) VCF-style: chr2-20153614-G-A.
Other names: c.1414C>T, p.Arg472Ter (NM_001006657.2); short protein forms R472*, R461*.
Identifiers: ClinVar variation 572077 (VCV000572077.8), dbSNP rs767751856, ClinGen allele CA1543249.

ClinVar aggregate classification (germline): Pathogenic. Review status: criteria provided, multiple submitters, no conflicts (2 of 4 stars). 2 submissions from 2 submitters: Pathogenic (2). Last evaluated 2025-02-24.

Conditions:
Short-rib thoracic dysplasia 7 with or without polydactyly (SRTD7). Also called: Short rib polydactyly syndrome 5; SHORT-RIB THORACIC DYSPLASIA 7 WITH POLYDACTYLY. Identifiers: Orphanet 498497, Orphanet 93271, MedGen C3279792, MONDO:0013569, OMIM 614091.
Cranioectodermal dysplasia 2 (CED2). Identifiers: Orphanet 1515, MedGen C3150874, MONDO:0013323, OMIM 613610.

Allele frequency attached by ClinVar (database versions not stated): ExAC 0.00001; gnomAD 0.00001; gnomAD exomes 0.00001; TOPMed 0.00001.
gnomAD v4.1: 10 of 1,613,800 alleles (0.00062%); highest among the groups gnomAD compares: East Asian, 0.0022%; no homozygotes.

Submissions (2):

Dasa
Classification: Pathogenic. Last evaluated: 2025-02-24. Review status: criteria provided, single submitter. Criteria: DASA Assertion Criteria. Collection method: clinical testing. Allele origin: germline.
Comment: NM_020779.4(WDR35):c.1381C>T (p.Arg461*) introduces a premature termination codon predicted to result in loss of normal protein function. Loss-of-function is an established mechanism of disease for this gene. The variant is present at low frequency in population datasets. Based on the available data, this variant is classified as pathogenic.

Labcorp Genetics (formerly Invitae), Labcorp
Classification: Pathogenic for Cranioectodermal dysplasia 2; Short-rib thoracic dysplasia 7 with or without polydactyly. Last evaluated: 2017-12-06. Review status: criteria provided, single submitter. Criteria: Invitae Variant Classification Sherloc (09022015). Collection method: clinical testing. Allele origin: germline.
Comment: For these reasons, this variant has been classified as Pathogenic. Loss-of-function variants in WDR35 are known to be pathogenic (PMID: 21473986, 25908617). This variant has not been reported in the literature in individuals with WDR35-related disease. This variant is present in population databases (rs767751856, ExAC 0.001%). This sequence change creates a premature translational stop signal (p.Arg472*) in the WDR35 gene. It is expected to result in an absent or disrupted protein product.

Literature cited by the submitters: PubMed 21473986 (cited by Labcorp Genetics (formerly Invitae), Labcorp); PubMed 25908617 (cited by Labcorp Genetics (formerly Invitae), Labcorp).